The following is an entry in ClinVar:

NM_000186.4(CFH):c.2222T>A (p.Leu741His)

Gene: CFH (complement factor H; plus strand). Cytogenetic location: 1q31.3.
Variant type: single nucleotide variant.
Coding change: c.2222T>A on transcript NM_000186.4 (MANE Select); coding-DNA position 2222, T replaced by A.
Protein change: p.Leu741His; replaces leucine 741 with histidine.
Molecular consequence: missense variant.
Genome position (GRCh38, 1-based): chr1:196,726,926, T>A. VCF-style: chr1-196726926-T-A. GRCh37 (hg19) VCF-style: chr1-196696056-T-A.
Other names: short protein forms L741H.
Identifiers: ClinVar variation 2822529 (VCV002822529.3), dbSNP rs2529504970, ClinGen allele CA343989979.

ClinVar aggregate classification (germline): Uncertain significance (1 of 4 stars; one submission).

Allele frequency attached by ClinVar (database versions not stated): gnomAD exomes below 0.00001.
gnomAD v4.1: 2 of 1,613,088 alleles (0.00012%); highest among the groups gnomAD compares: Non-Finnish European, 0.00017%; no homozygotes.

Submission:

Labcorp Genetics (formerly Invitae), Labcorp
Classification: Uncertain significance. Last evaluated: 2022-12-20. Review status: criteria provided, single submitter. Criteria: Invitae Variant Classification Sherloc (09022015). Collection method: clinical testing. Allele origin: germline.
Comment: In summary, the available evidence is currently insufficient to determine the role of this variant in disease. Therefore, it has been classified as a Variant of Uncertain Significance. Algorithms developed to predict the effect of missense changes on protein structure and function are either unavailable or do not agree on the potential impact of this missense change (SIFT: "Tolerated"; PolyPhen-2: "Probably Damaging"; Align-GVGD: "Class C0"). This variant has not been reported in the literature in individuals affected with CFH-related conditions. This variant is not present in population databases (gnomAD no frequency). This sequence change replaces leucine, which is neutral and non-polar, with histidine, which is basic and polar, at codon 741 of the CFH protein (p.Leu741His).